The following is an entry in ClinVar:

NM_019032.6(ADAMTSL4):c.1687dup (p.Glu563fs)

Genes: ADAMTSL4 (ADAMTS like 4; plus strand), ADAMTSL4-AS2 (ADAMTSL4 antisense RNA 2; minus strand). Cytogenetic location: 1q21.2.
Variant type: Duplication.
Coding change: c.1687dup on transcript NM_019032.6 (MANE Select); coding-DNA position 1687, one base duplicated (G; older notation c.1687dupG).
Protein change: p.Glu563fs; shifts the reading frame from glutamic acid 563.
Molecular consequence: frameshift variant.
Genome position (GRCh38, 1-based): chr1:150,556,731, G duplicated; the last of 3 consecutive G bases (chr1:150,556,729-150,556,731); duplicating any one gives the same sequence. VCF-style (leftmost placement, unchanged base first): chr1-150556728-A-AG. GRCh37 (hg19) VCF-style: chr1-150529204-A-AG.
Other names: c.1756dup, p.Glu586fs (NM_001288607.2, NM_001288608.2); c.1687dup, p.Glu563fs (NM_001378596.1, NM_025008.5); short protein forms E563fs, E586fs.
Identifiers: ClinVar variation 3695191 (VCV003695191.2).

ClinVar aggregate classification (germline): Pathogenic (1 of 4 stars; one submission).

Submission:

Labcorp Genetics (formerly Invitae), Labcorp
Classification: Pathogenic. Last evaluated: 2024-10-03. Review status: criteria provided, single submitter. Criteria: Invitae Variant Classification Sherloc (09022015). Collection method: clinical testing. Allele origin: germline.
Comment: This sequence change creates a premature translational stop signal (p.Glu563Glyfs*11) in the ADAMTSL4 gene. It is expected to result in an absent or disrupted protein product. Loss-of-function variants in ADAMTSL4 are known to be pathogenic (PMID: 20564469, 28642162). This variant is not present in population databases (gnomAD no frequency). This variant has not been reported in the literature in individuals affected with ADAMTSL4-related conditions. Algorithms developed to predict the effect of sequence changes on RNA splicing suggest that this variant may disrupt the consensus splice site. For these reasons, this variant has been classified as Pathogenic.

Literature cited by the submitters: PubMed 20564469; PubMed 28642162.